The following is an entry in ClinVar:

ClinVar aggregate classification (germline): Uncertain significance (1 of 4 stars; one submission).

Submission:

Labcorp Genetics (formerly Invitae), Labcorp
Classification: Uncertain significance. Last evaluated: 2022-06-14. Review status: criteria provided, single submitter. Criteria: Invitae Variant Classification Sherloc (09022015). Collection method: clinical testing. Allele origin: germline.
Comment: In summary, the available evidence is currently insufficient to determine the role of this variant in disease. Therefore, it has been classified as a Variant of Uncertain Significance. Algorithms developed to predict the effect of missense changes on protein structure and function (SIFT, PolyPhen-2, Align-GVGD) all suggest that this variant is likely to be tolerated. This variant has not been reported in the literature in individuals affected with APTX-related conditions. This variant is not present in population databases (gnomAD no frequency). This sequence change replaces glutamic acid, which is acidic and polar, with glutamine, which is neutral and polar, at codon 32 of the APTX protein (p.Glu32Gln).

NM_001195248.2(APTX):c.94G>C (p.Glu32Gln)

Gene: APTX (aprataxin; minus strand). Cytogenetic location: 9p21.1.
Variant type: single nucleotide variant.
Coding change: c.94G>C on transcript NM_001195248.2 (MANE Select); coding-DNA position 94, G replaced by C.
Protein change: p.Glu32Gln; replaces glutamic acid 32 with glutamine.
Molecular consequence: missense variant. On other transcripts: 5 prime UTR variant (8), non-coding transcript variant (13).
Genome position (GRCh38, 1-based): chr9:32,989,798, C>G on the plus strand (G>C on the coding strand, the complement: APTX is on the minus strand). VCF-style: chr9-32989798-C-G. GRCh37 (hg19) VCF-style: chr9-32989796-C-G.
Other names: c.94G>C, p.Glu32Gln (NM_001195249.2, NM_001195250.2, NM_001195251.2 and 11 more transcripts); c.-166G>C (NM_001369002.1, NM_001369003.1, NM_001369005.1 and 4 more transcripts); c.-124G>C (NM_001369004.1); short protein forms E32Q.
Identifiers: ClinVar variation 1481248 (VCV001481248.6), dbSNP rs2118866029, ClinGen allele CA373181052.